The following is an entry in ClinVar:

ClinVar aggregate classification (germline): Uncertain significance (1 of 4 stars; one submission).

Conditions:
Fanconi anemia (FA). Also called: Fanconi's anemia. Identifiers: Orphanet 84, MedGen C0015625, MeSH D005199, MONDO:0019391.

gnomAD v4.1: 4 of 1,613,018 alleles (0.00025%); highest among the groups gnomAD compares: Non-Finnish European, 0.00034%; no homozygotes.

Submission:

Labcorp Genetics (formerly Invitae), Labcorp
Classification: Uncertain significance for Fanconi anemia. Last evaluated: 2022-08-21. Review status: criteria provided, single submitter. Criteria: Invitae Variant Classification Sherloc (09022015). Collection method: clinical testing. Allele origin: germline.
Comment: Algorithms developed to predict the effect of missense changes on protein structure and function are either unavailable or do not agree on the potential impact of this missense change (SIFT: "Tolerated"; PolyPhen-2: "Possibly Damaging"; Align-GVGD: "Class C0"). In summary, the available evidence is currently insufficient to determine the role of this variant in disease. Therefore, it has been classified as a Variant of Uncertain Significance. This variant has not been reported in the literature in individuals affected with SLX4-related conditions. This variant is not present in population databases (gnomAD no frequency). This sequence change replaces serine, which is neutral and polar, with tyrosine, which is neutral and polar, at codon 467 of the SLX4 protein (p.Ser467Tyr).

NM_032444.4(SLX4):c.1400C>A (p.Ser467Tyr)

Gene: SLX4 (SLX4 structure-specific endonuclease subunit; minus strand). Cytogenetic location: 16p13.3.
Variant type: single nucleotide variant.
Coding change: c.1400C>A on transcript NM_032444.4 (MANE Select); coding-DNA position 1400, C replaced by A.
Protein change: p.Ser467Tyr; replaces serine 467 with tyrosine.
Molecular consequence: missense variant.
Genome position (GRCh38, 1-based): chr16:3,597,662, G>T on the plus strand (C>A on the coding strand, the complement: SLX4 is on the minus strand). VCF-style: chr16-3597662-G-T. GRCh37 (hg19) VCF-style: chr16-3647663-G-T.
Other names: short protein forms S467Y.
Identifiers: ClinVar variation 2151056 (VCV002151056.4), dbSNP rs896917989, ClinGen allele CA276964579.
Genomic context (GRCh38, chr16:3,597,662, plus strand): 5'-ACACGGTCCTCTATCTGTCGGCCTGTGGTTTCAGAGTCCTGGACTAACAACAATGGGGGG[G>T]ATACCGGGGGTTTCTTCTTGCGACTTTTATTCTCTAGAGAGAAACAAAAGCGACACCATC-3'
Protein context (NP_115820.2, residues 457-477): NKSRKKKPPV[Ser467Tyr]PPLLLVQDSE